The following is an entry in ClinVar:

ClinVar aggregate classification (germline): Likely benign. Review status: criteria provided, multiple submitters, no conflicts (2 of 4 stars). 5 submissions from 5 submitters: Likely benign (4). 1 of the submissions does not count toward it. Last evaluated 2026-06-18.

Conditions:
Retinoblastoma (RB1). Also called: RETINOBLASTOMA, SOMATIC. Identifiers: Orphanet 790, MedGen C0035335, MeSH D012175, MONDO:0008380, OMIM 180200, HP:0009919. Disease mechanism: loss of function. Inheritance: Both sporadic and heritable forms are tested..
RB1-related disorder. Also called: RB1-related condition.

Allele frequency attached by ClinVar (database versions not stated): ExAC below 0.00001; gnomAD 0.00001; gnomAD exomes 0.00001 and 0.00005; TOPMed 0.00001.
gnomAD v4.1: 64 of 1,550,366 alleles (0.0041%); highest among the groups gnomAD compares: Non-Finnish European, 0.0054%; no homozygotes.

Submissions (5):

Myriad Genetics, Inc.
Classification: Likely benign for Retinoblastoma. Last evaluated: 2026-06-18. Review status: criteria provided, single submitter. Criteria: Myriad Autosomal Dominant, Autosomal Recessive and X-Linked Classification Criteria (2023). Collection method: clinical testing. Allele origin: unknown.
Comment: This variant is considered likely benign. This variant is intronic and is not expected to impact mRNA splicing.

Labcorp Genetics (formerly Invitae), Labcorp
Classification: Likely benign for Retinoblastoma. Last evaluated: 2026-01-27. Review status: criteria provided, single submitter. Criteria: Invitae Variant Classification Sherloc (09022015). Collection method: clinical testing. Allele origin: germline.

All of Us Research Program, National Institutes of Health
Classification: Likely benign for Retinoblastoma. Last evaluated: 2023-12-18. Review status: criteria provided, single submitter. Criteria: ACMG Guidelines, 2015. Collection method: clinical testing. Allele origin: germline. Inheritance: Autosomal dominant inheritance. Observed: 3 variant alleles, 3 heterozygotes.
Comment: This study involves interpretation of variants in research participants for the purpose of population health screening. Participant phenotype was not available at the time of variant classification. Additional details can be found in publication PMID: 35346344, PMCID: PMC8962531

Blueprint Genetics
Classification: Likely benign. Last evaluated: 2020-03-16. Review status: criteria provided, single submitter. Criteria: ACMG Guidelines, 2015. Collection method: clinical testing. Allele origin: germline.

PreventionGenetics, part of Exact Sciences
Classification: Likely benign for RB1-related condition. Last evaluated: 2022-05-04. Review status: no assertion criteria provided. Collection method: clinical testing. Allele origin: germline. Not counted in ClinVar's aggregate classification.
Comment: This variant is classified as likely benign based on ACMG/AMP sequence variant interpretation guidelines (Richards et al. 2015 PMID: 25741868, with internal and published modifications).

NM_000321.3(RB1):c.862-8T>C

Gene: RB1 (RB transcriptional corepressor 1; plus strand). Cytogenetic location: 13q14.2.
Variant type: single nucleotide variant.
Coding change: c.862-8T>C on transcript NM_000321.3 (MANE Select); 8 bases into the intron before coding-DNA position 862, T replaced by C.
Molecular consequence: intron variant.
Genome position (GRCh38, 1-based): chr13:48,364,886, T>C. VCF-style: chr13-48364886-T-C. GRCh37 (hg19) VCF-style: chr13-48939022-T-C.
Identifiers: ClinVar variation 416506 (VCV000416506.16), dbSNP rs745767704, ClinGen allele CA039714.